The following is an entry in ClinVar:

NM_004409.5(DMPK):c.*224CTG[54]

Genes: DM1-AS (DM1 locus antisense RNA; plus strand), DMPK (DM1 protein kinase; minus strand), LOC107075317 (origin of replication in DMPK trinucleotide repeat region; plus strand), LOC109461477 (dystrophia myotonica protein kinase repeat instability region; plus strand). Cytogenetic location: 19q13.32.
Variant type: Microsatellite.
Coding change: c.*224CTG[54] on transcript NM_004409.5 (MANE Select); 54 copies in a row of the 3-base unit CTG starting at c.*224.
Molecular consequence: 3 prime UTR variant.
Genome position: GRCh38, VCF-style position (the base before the change): chr19:45,770,204. GRCh37 (hg19), VCF-style position (the base before the change): chr19:46,273,462.
Other names: DM1 CTG repeat expansion; c.*224CTG[54] (NM_001081560.3, NM_001288764.2, NM_001424165.1 and 1 more transcripts); c.*217CTG[54] (NM_001081562.3, NM_001288765.2, NM_001424162.1 and 2 more transcripts); c.*222_*224TGC[54] (NM_001081563.3); c.*369CTG[54] (NM_001288766.2, NM_001424164.1, NM_001424168.1).
Identifiers: ClinVar variation 188001 (VCV000188001.3), ClinGen allele CA915951827.

ClinVar aggregate classification (germline): Pathogenic. Review status: criteria provided, single submitter (1 of 4 stars). 2 submissions from 2 submitters: Pathogenic (1). 1 of the submissions does not count toward it. Last evaluated 2019-11-26.

Conditions:
Steinert myotonic dystrophy syndrome (DM1). Also called: STEINERT DISEASE; Myotonic dystrophy type 1; Dystrophia myotonica type 1; Steinert myotonic dystrophy; Steinert's disease. Identifiers: Orphanet 273, MedGen C3250443, MONDO:0008056, OMIM 160900.

Submissions (2):

Neuromuscular Research, Maastricht University Medical Centre
Classification: Pathogenic for Steinert myotonic dystrophy syndrome. Last evaluated: 2019-11-26. Review status: criteria provided, single submitter. Criteria: Best practice guidelines on molecular diagnosis DM1 and DM2, Kamsteeg et al. 2012. Collection method: clinical testing. Allele origin: paternal, inherited. Affected: yes.

Institute of Molecular, Cell and Systems Biology, University of Glasgow
Classification: Pathogenic for Steinert myotonic dystrophy syndrome. Review status: no assertion criteria provided. Criteria: research. Collection method: research. Allele origin: germline. Inheritance: Autosomal dominant inheritance. Affected: no. Observed: 1 heterozygote. Not counted in ClinVar's aggregate classification.
Comment: DMPK CTG repeat expansions greater than approximately 45-50 repeats are assumed to be pathogenic

This record is based on data published in PubMed 25052313, which reports only ClinVar accessions SCV000120188 and SCV000120189. The complete data set includes SCV000207445 - SCV000207579.

Literature cited by the submitters: PubMed 32203199 (cited by Neuromuscular Research, Maastricht University Medical Centre); PubMed 1346923 (cited by Institute of Molecular, Cell and Systems Biology, University of Glasgow); PubMed 1546326 (cited by Institute of Molecular, Cell and Systems Biology, University of Glasgow); PubMed 25052313 (cited by Institute of Molecular, Cell and Systems Biology, University of Glasgow).